The following is an entry in ClinVar:

NM_006118.4(HAX1):c.11T>A (p.Phe4Tyr)

Gene: HAX1 (HCLS1 associated protein X-1; plus strand). Cytogenetic location: 1q21.3.
Variant type: single nucleotide variant.
Coding change: c.11T>A on transcript NM_006118.4 (MANE Select); coding-DNA position 11, T replaced by A.
Protein change: p.Phe4Tyr; replaces phenylalanine 4 with tyrosine.
Molecular consequence: missense variant.
Genome position (GRCh38, 1-based): chr1:154,272,734, T>A. VCF-style: chr1-154272734-T-A. GRCh37 (hg19) VCF-style: chr1-154245210-T-A.
Other names: c.11T>A, p.Phe4Tyr (NM_001018837.2); short protein forms F4Y.
Identifiers: ClinVar variation 4621336 (VCV004621336.1).
Genomic context (GRCh38, chr1:154,272,734, plus strand): 5'-CTGCGAATGGACCACTGGAGGGGTTCAAAGGTTCGCGTCCCAGTACGGGAATGAGCCTCT[T>A]TGATCTCTTCCGGGGCTTTTTCGGCTTTCCTGGACCTCGGAGGTGAGAGTAGGTCCGGCT-3'
Protein context (NP_006109.2, residues 1-14): MSL[Phe4Tyr]DLFRGFFGFP

ClinVar aggregate classification (germline): Uncertain significance (1 of 4 stars; one submission).

Conditions:
Inborn genetic diseases. Identifiers: MedGen C0950123, MeSH D030342.

gnomAD v4.1: 1 of 1,614,182 alleles (0.000062%); no homozygotes.

Submission:

Ambry Genetics
Classification: Uncertain significance for Inborn genetic diseases. Last evaluated: 2025-10-30. Review status: criteria provided, single submitter. Criteria: Ambry Variant Classification Scheme 2023. Collection method: clinical testing. Allele origin: germline.
Comment: The p.F4Y variant (also known as c.11T>A), located in coding exon 1 of the HAX1 gene, results from a T to A substitution at nucleotide position 11. The phenylalanine at codon 4 is replaced by tyrosine, an amino acid with highly similar properties. This amino acid position is conserved. In addition, the in silico prediction for this alteration is inconclusive. Based on the available evidence, the clinical significance of this variant remains unclear.